The following is an entry in ClinVar:

ClinVar aggregate classification (germline): Uncertain significance (1 of 4 stars; one submission).

Conditions:
Neuronal ceroid lipofuscinosis. Also called: Neuronal Ceroid Lipofuscinoses. Identifiers: Orphanet 216, Orphanet 79263, MedGen C0027877, MONDO:0016295. Disease mechanism: loss of function.

Submission:

Labcorp Genetics (formerly Invitae), Labcorp
Classification: Uncertain significance for Neuronal ceroid lipofuscinosis. Last evaluated: 2021-11-11. Review status: criteria provided, single submitter. Criteria: Invitae Variant Classification Sherloc (09022015). Collection method: clinical testing. Allele origin: germline.
Comment: This variant has not been reported in the literature in individuals affected with CLN3-related conditions. This variant is not present in population databases (gnomAD no frequency). This sequence change replaces serine, which is neutral and polar, with phenylalanine, which is neutral and non-polar, at codon 14 of the CLN3 protein (p.Ser14Phe). Algorithms developed to predict the effect of missense changes on protein structure and function (SIFT, PolyPhen-2, Align-GVGD) all suggest that this variant is likely to be tolerated. In summary, the available evidence is currently insufficient to determine the role of this variant in disease. Therefore, it has been classified as a Variant of Uncertain Significance.

NM_001042432.2(CLN3):c.41C>T (p.Ser14Phe)

Gene: CLN3 (CLN3 lysosomal/endosomal transmembrane protein, battenin; minus strand). Cytogenetic location: 16p12.1.
Variant type: single nucleotide variant.
Coding change: c.41C>T on transcript NM_001042432.2 (MANE Select); coding-DNA position 41, C replaced by T.
Protein change: p.Ser14Phe; replaces serine 14 with phenylalanine.
Molecular consequence: missense variant. On other transcripts: 5 prime UTR variant (3).
Genome position (GRCh38, 1-based): chr16:28,491,719, G>A on the plus strand (C>T on the coding strand, the complement: CLN3 is on the minus strand). VCF-style: chr16-28491719-G-A. GRCh37 (hg19) VCF-style: chr16-28503040-G-A.
Other names: c.41C>T, p.Ser14Phe (NM_000086.2, NM_001286104.2); c.-101C>T (NM_001286105.2); c.-43C>T (NM_001286109.2, NM_001286110.2); short protein forms S14F.
Identifiers: ClinVar variation 1392621 (VCV001392621.6), dbSNP rs2141722690, ClinGen allele CA395347509.